The following is an entry in ClinVar:

NM_002857.4(PEX19):c.546A>T (p.Leu182=)

Gene: PEX19 (peroxisomal biogenesis factor 19; minus strand). Cytogenetic location: 1q23.2.
Variant type: single nucleotide variant.
Coding change: c.546A>T on transcript NM_002857.4 (MANE Select); coding-DNA position 546, A replaced by T.
Protein change: p.Leu182=; no amino-acid change (leucine 182 retained).
Molecular consequence: synonymous variant. On other transcripts: non-coding transcript variant (2).
Genome position (GRCh38, 1-based): chr1:160,282,087, T>A on the plus strand (A>T on the coding strand, the complement: PEX19 is on the minus strand). VCF-style: chr1-160282087-T-A. GRCh37 (hg19) VCF-style: chr1-160251877-T-A.
Other names: c.546A>T, p.Leu182= (NM_001193644.1).
Identifiers: ClinVar variation 3029577 (VCV003029577.2), dbSNP rs138837673, ClinGen allele CA421361783.

ClinVar aggregate classification (germline): Likely benign (0 of 4 stars; one submission).

Conditions:
PEX19-related disorder. Also called: PEX19-related condition.

Submission:

PreventionGenetics, part of Exact Sciences
Classification: Likely benign for PEX19-related condition. Last evaluated: 2022-02-18. Review status: no assertion criteria provided. Collection method: clinical testing. Allele origin: germline.
Comment: This variant is classified as likely benign based on ACMG/AMP sequence variant interpretation guidelines (Richards et al. 2015 PMID: 25741868, with internal and published modifications).